The following is an entry in ClinVar:

ClinVar aggregate classification (germline): Likely benign (1 of 4 stars; one submission).

Submission:

CeGaT Center for Human Genetics Tuebingen
Classification: Likely benign. Last evaluated: 2024-09-01. Review status: criteria provided, single submitter. Criteria: CeGaT Center For Human Genetics Tuebingen Variant Classification Criteria Version 2. Collection method: clinical testing. Allele origin: germline. Affected: yes. Observed: 1 variant allele.
Comment: SCNN1D: BP4, BP7

NM_001130413.4(SCNN1D):c.1566C>T (p.Asp522=)

Genes: SCNN1D (sodium channel epithelial 1 subunit delta; plus strand), LOC110599576 (CEB15 minisatellite repeat instability region; plus strand). Cytogenetic location: 1p36.33.
Variant type: single nucleotide variant.
Coding change: c.1566C>T on transcript NM_001130413.4 (MANE Select); coding-DNA position 1566, C replaced by T.
Protein change: p.Asp522=; no amino-acid change (aspartic acid 522 retained).
Molecular consequence: synonymous variant. On other transcripts: non-coding transcript variant (1).
Genome position (GRCh38, 1-based): chr1:1,287,941, C>T. VCF-style: chr1-1287941-C-T. GRCh37 (hg19) VCF-style: chr1-1223321-C-T.
Identifiers: ClinVar variation 3388403 (VCV003388403.14).